The following is an entry in ClinVar:

ClinVar aggregate classification (germline): Uncertain significance. Review status: criteria provided, multiple submitters, no conflicts (2 of 4 stars). 7 submissions from 6 submitters: Uncertain significance (7). Last evaluated 2024-11-22.

Conditions:
Warburg micro syndrome 2 (WARBM2). Also called: MICRO SYNDROME 2. Identifiers: Orphanet 2510, MedGen C3280214, MONDO:0013641, OMIM 614225.
Martsolf syndrome (MARTS). Also called: Congenital cataract with intellectual disability and hypogonadotropic hypogonadism syndrome. Identifiers: Orphanet 1387, MedGen C0796037, MONDO:0023910.
Inborn genetic diseases. Identifiers: MedGen C0950123, MeSH D030342.

Allele frequency attached by ClinVar (database versions not stated): 1000 Genomes Project 30x 0.00016; 1000 Genomes Project 0.00020; gnomAD exomes 0.00022; ExAC 0.00025; gnomAD 0.00029 and 0.00031; ESP Exome Variant Server 0.00031; TOPMed 0.00036.
gnomAD v4.1: 355 of 1,609,238 alleles (0.022%); highest among the groups gnomAD compares: Middle Eastern, 0.1%; no homozygotes.

Submissions (8):

Blueprint Genetics
Classification: Uncertain significance. Last evaluated: 2024-11-22. Review status: criteria provided, single submitter. Criteria: ACMG Guidelines, 2015. Collection method: clinical testing. Allele origin: germline.

Labcorp Genetics (formerly Invitae), Labcorp
Classification: Uncertain significance for Martsolf syndrome; Warburg micro syndrome 2. Last evaluated: 2022-04-12. Review status: criteria provided, single submitter. Criteria: Invitae Variant Classification Sherloc (09022015). Collection method: clinical testing. Allele origin: germline.
Comment: This sequence change replaces isoleucine, which is neutral and non-polar, with valine, which is neutral and non-polar, at codon 1038 of the RAB3GAP2 protein (p.Ile1038Val). This variant is present in population databases (rs144779240, gnomAD 0.03%). This variant has not been reported in the literature in individuals affected with RAB3GAP2-related conditions. ClinVar contains an entry for this variant (Variation ID: 295644). Algorithms developed to predict the effect of missense changes on protein structure and function output the following: SIFT: "Tolerated"; PolyPhen-2: "Benign"; Align-GVGD: "Class C0". The valine amino acid residue is found in multiple mammalian species, which suggests that this missense change does not adversely affect protein function. Algorithms developed to predict the effect of sequence changes on RNA splicing suggest that this variant may create or strengthen a splice site. In summary, the available evidence is currently insufficient to determine the role of this variant in disease. Therefore, it has been classified as a Variant of Uncertain Significance.

Ambry Genetics
Classification: Uncertain significance for Inborn genetic diseases. Last evaluated: 2021-06-18. Review status: criteria provided, single submitter. Criteria: Ambry Variant Classification Scheme 2023. Collection method: clinical testing. Allele origin: germline.

GeneDx
Classification: Uncertain significance. Last evaluated: 2019-11-21. Review status: criteria provided, single submitter. Criteria: GeneDx Variant Classification Process June 2021. Collection method: clinical testing. Allele origin: germline. Affected: yes.
Comment: Has not been previously published as pathogenic or benign to our knowledge; In silico analysis, which includes protein predictors and evolutionary conservation, supports that this variant does not alter protein structure/function; In-silico analysis, which includes splice predictors and evolutionary conservation, is inconclusive as to whether the variant alters gene splicing. In the absence of RNA/functional studies, the actual effect of this sequence change is unknown

Illumina Laboratory Services, Illumina
Classification: Uncertain significance for Warburg micro syndrome 2. Last evaluated: 2018-01-12. Review status: criteria provided, single submitter. Criteria: ICSL Variant Classification Criteria 13 December 2019. Collection method: clinical testing. Allele origin: germline.

Illumina Laboratory Services, Illumina
Classification: Uncertain significance for Martsolf syndrome 1. Last evaluated: 2018-01-12. Review status: criteria provided, single submitter. Criteria: ICSL Variant Classification Criteria 13 December 2019. Collection method: clinical testing. Allele origin: germline.

Breakthrough Genomics
Classification: Uncertain significance. Review status: criteria provided, single submitter. Criteria: ACMG Guidelines, 2015. Collection method: not provided. Allele origin: germline. Inheritance: Autosomal recessive inheritance. Affected: yes.

Dr. Peter K. Rogan Lab, Western University
No classification provided (evidence only). Condition: Hepatocellular carcinoma. Review status: no classification provided. Collection method: in vitro. Allele origin: not applicable. Functional consequence: skipped exon, retained intron. Not counted in ClinVar's aggregate classification.

NM_012414.4(RAB3GAP2):c.3112A>G (p.Ile1038Val)

Gene: RAB3GAP2 (RAB3 GTPase activating non-catalytic protein subunit 2; minus strand). Cytogenetic location: 1q41.
Variant type: single nucleotide variant.
Coding change: c.3112A>G on transcript NM_012414.4 (MANE Select); coding-DNA position 3112, A replaced by G.
Protein change: p.Ile1038Val; replaces isoleucine 1038 with valine.
Molecular consequence: missense variant.
Genome position (GRCh38, 1-based): chr1:220,164,775, T>C on the plus strand (A>G on the coding strand, the complement: RAB3GAP2 is on the minus strand). VCF-style: chr1-220164775-T-C. GRCh37 (hg19) VCF-style: chr1-220338117-T-C.
Other names: short protein forms I1038V.
Identifiers: ClinVar variation 295644 (VCV000295644.17), dbSNP rs144779240, ClinGen allele CA1402241.
Genomic context (GRCh38, chr1:220,164,775, plus strand): 5'-TAACATCTGTTTACTTACCATTTTGAACATGTGCATTAAATATTTGCTTCAAGTGTTCTA[T>C]TGACCTAACAAAAAAACGTGCTTCCTTACATACAGGGAGAAAAAAACGAGAAAGAAAAAG-3'
Protein context (NP_036546.2, residues 1028-1048): PEEARFFVRS[Ile1038Val]EHLKQIFNAH